The following is an entry in ClinVar:

ClinVar aggregate classification (germline): Likely benign. Review status: criteria provided, multiple submitters, no conflicts (2 of 4 stars). 5 submissions from 5 submitters: Likely benign (5). Last evaluated 2026-01-19.

Conditions:
CDH1-related disorder. Also called: CDH1-related condition.
Hereditary cancer-predisposing syndrome. Also called: Neoplastic Syndromes, Hereditary; Hereditary neoplastic syndrome; Hereditary Cancer Syndrome; Tumor predisposition. Identifiers: Orphanet 140162, MedGen C0027672, MeSH D009386, MONDO:0015356.
Hereditary diffuse gastric adenocarcinoma (HDGC). Also called: DIFFUSE GASTRIC AND LOBULAR BREAST CANCER SYNDROME. Identifiers: Orphanet 26106, MedGen C1708349, MONDO:0007648, OMIM 137215.

Allele frequency attached by ClinVar (database versions not stated): gnomAD exomes below 0.00001 and 0.00001; ExAC 0.00002; TOPMed 0.00002.
gnomAD v4.1: 1 of 1,614,028 alleles (0.000062%); highest among the groups gnomAD compares: East Asian, 0.0022%; no homozygotes.

Submissions (5):

Labcorp Genetics (formerly Invitae), Labcorp
Classification: Likely benign for Hereditary diffuse gastric adenocarcinoma. Last evaluated: 2026-01-19. Review status: criteria provided, single submitter. Criteria: Invitae Variant Classification Sherloc (09022015). Collection method: clinical testing. Allele origin: germline.

PreventionGenetics, part of Exact Sciences
Classification: Likely benign for CDH1-related condition. Last evaluated: 2025-08-19. Review status: criteria provided, single submitter. Criteria: ACMG Guidelines, 2015. Collection method: clinical testing. Allele origin: germline.
Comment: This variant is classified as likely benign based on ACMG/AMP sequence variant interpretation guidelines (Richards et al. 2015 PMID: 25741868, with internal and published modifications).

Myriad Genetics, Inc.
Classification: Likely benign for Hereditary diffuse gastric adenocarcinoma. Last evaluated: 2024-09-17. Review status: criteria provided, single submitter. Criteria: Myriad Autosomal Dominant, Autosomal Recessive and X-Linked Classification Criteria (2023). Collection method: clinical testing. Allele origin: unknown.
Comment: This variant is considered likely benign. This variant is intronic and is not expected to impact mRNA splicing.

GeneDx
Classification: Likely benign. Last evaluated: 2017-08-03. Review status: criteria provided, single submitter. Criteria: GeneDx Variant Classification (06012015). Collection method: clinical testing. Allele origin: germline. Affected: yes.
Comment: This variant is considered likely benign or benign based on one or more of the following criteria: it is a conservative change, it occurs at a poorly conserved position in the protein, it is predicted to be benign by multiple in silico algorithms, and/or has population frequency not consistent with disease.

Color Diagnostics, LLC DBA Color Health
Classification: Likely benign for Hereditary cancer-predisposing syndrome. Last evaluated: 2016-12-06. Review status: criteria provided, single submitter. Criteria: ACMG Guidelines, 2015. Collection method: clinical testing. Allele origin: germline.

NM_004360.5(CDH1):c.1009-6C>T

Gene: CDH1 (cadherin 1; plus strand). Cytogenetic location: 16q22.1.
Variant type: single nucleotide variant.
Coding change: c.1009-6C>T on transcript NM_004360.5 (MANE Select); 6 bases into the intron before coding-DNA position 1009, C replaced by T.
Molecular consequence: intron variant.
Genome position (GRCh38, 1-based): chr16:68,812,129, C>T. VCF-style: chr16-68812129-C-T. GRCh37 (hg19) VCF-style: chr16-68846032-C-T.
Other names: c.1009-6C>T (LRG_301t1, NM_001317184.2, NM_004360.4); c.-607-6C>T (NM_001317185.2); c.-811-6C>T (NM_001317186.2).
Identifiers: ClinVar variation 239873 (VCV000239873.16), dbSNP rs771652165, ClinGen allele CA8129985.